The following is an entry in ClinVar:

ClinVar aggregate classification (germline): Uncertain significance. Review status: criteria provided, multiple submitters, no conflicts (2 of 4 stars). 2 submissions from 2 submitters: Uncertain significance (2). Last evaluated 2023-12-27.

Conditions:
TRRAP-related disorder. Also called: TRRAP-related condition.

Allele frequency attached by ClinVar (database versions not stated): gnomAD exomes 0.00001.
gnomAD v4.1: 5 of 1,614,274 alleles (0.00031%); highest among the groups gnomAD compares: East Asian, 0.0045%; no homozygotes.

Submissions (2):

Labcorp Genetics (formerly Invitae), Labcorp
Classification: Uncertain significance. Last evaluated: 2023-12-27. Review status: criteria provided, single submitter. Criteria: Invitae Variant Classification Sherloc (09022015). Collection method: clinical testing. Allele origin: germline.
Comment: This sequence change replaces proline, which is neutral and non-polar, with leucine, which is neutral and non-polar, at codon 3718 of the TRRAP protein (p.Pro3718Leu). This variant is present in population databases (no rsID available, gnomAD 0.006%). This variant has not been reported in the literature in individuals affected with TRRAP-related conditions. ClinVar contains an entry for this variant (Variation ID: 2633734). Advanced modeling of protein sequence and biophysical properties (such as structural, functional, and spatial information, amino acid conservation, physicochemical variation, residue mobility, and thermodynamic stability) performed at Invitae indicates that this missense variant is not expected to disrupt TRRAP protein function with a negative predictive value of 80%. In summary, the available evidence is currently insufficient to determine the role of this variant in disease. Therefore, it has been classified as a Variant of Uncertain Significance.

PreventionGenetics, part of Exact Sciences
Classification: Uncertain significance for TRRAP-related condition. Last evaluated: 2023-09-02. Review status: criteria provided, single submitter. Criteria: ACMG Guidelines, 2015. Collection method: clinical testing. Allele origin: germline.
Comment: The TRRAP c.11153C>T variant is predicted to result in the amino acid substitution p.Pro3718Leu. To our knowledge, this variant has not been reported in the literature. This variant is reported in 0.0054% of alleles in individuals of East Asian descent in gnomAD. At this time, the clinical significance of this variant is uncertain due to the absence of conclusive functional and genetic evidence.

NM_001375524.1(TRRAP):c.11282C>T (p.Pro3761Leu)

Gene: TRRAP (transformation/transcription domain associated protein; plus strand). Cytogenetic location: 7q22.1.
Variant type: single nucleotide variant.
Coding change: c.11282C>T on transcript NM_001375524.1 (MANE Select); coding-DNA position 11282, C replaced by T.
Protein change: p.Pro3761Leu; replaces proline 3761 with leucine.
Molecular consequence: missense variant.
Genome position (GRCh38, 1-based): chr7:99,011,480, C>T. VCF-style: chr7-99011480-C-T. GRCh37 (hg19) VCF-style: chr7-98609103-C-T.
Other names: c.11240C>T, p.Pro3747Leu (NM_001244580.2); c.11153C>T, p.Pro3718Leu (NM_003496.4); short protein forms P3718L, P3747L, P3761L.
Identifiers: ClinVar variation 2633734 (VCV002633734.4), dbSNP rs1415839896, ClinGen allele CA368343556.